The following is an entry in ClinVar:

NM_000038.6(APC):c.5676T>C (p.Ala1892=)

Gene: APC (APC regulator of Wnt signaling pathway; plus strand). Cytogenetic location: 5q22.2.
Variant type: single nucleotide variant.
Coding change: c.5676T>C on transcript NM_000038.6 (MANE Select); coding-DNA position 5676, T replaced by C.
Protein change: p.Ala1892=; no amino-acid change (alanine 1892 retained).
Molecular consequence: synonymous variant.
Genome position (GRCh38, 1-based): chr5:112,841,270, T>C. VCF-style: chr5-112841270-T-C. GRCh37 (hg19) VCF-style: chr5-112176967-T-C.
Other names: c.5676T>C, p.Ala1892= (NM_001127510.3, NM_001354895.2); c.5622T>C, p.Ala1874= (NM_001127511.3); c.5730T>C, p.Ala1910= (NM_001354896.2); c.5706T>C, p.Ala1902= (NM_001354897.2); c.5601T>C, p.Ala1867= (NM_001354898.2); c.5592T>C, p.Ala1864= (NM_001354899.2); c.5553T>C, p.Ala1851= (NM_001354900.2); c.5499T>C, p.Ala1833= (NM_001354901.2); and 5 more.
Identifiers: ClinVar variation 470017 (VCV000470017.21), dbSNP rs978239155, ClinGen allele CA125167798.

ClinVar aggregate classification (germline): Benign/Likely benign. Review status: criteria provided, multiple submitters, no conflicts (2 of 4 stars). 5 submissions from 5 submitters: Benign (1); Likely benign (4). Last evaluated 2026-01-19.

Conditions:
Familial adenomatous polyposis 1 (FAP1). Also called: POLYPOSIS, ADENOMATOUS INTESTINAL; FAMILIAL ADENOMATOUS POLYPOSIS 1, ATTENUATED. Identifiers: MedGen C2713442, MONDO:0021056, OMIM 175100. Disease mechanism: loss of function.
Hereditary cancer-predisposing syndrome. Also called: Hereditary neoplastic syndrome; Neoplastic Syndromes, Hereditary; Tumor predisposition; Hereditary Cancer Syndrome. Identifiers: Orphanet 140162, MedGen C0027672, MeSH D009386, MONDO:0015356.
Classic or attenuated familial adenomatous polyposis. Identifiers: MedGen CN372698, MONDO:0021057.

Allele frequency attached by ClinVar (database versions not stated): gnomAD exomes 0.00001; TOPMed 0.00001.
gnomAD v4.1: 6 of 1,613,902 alleles (0.00037%); highest among the groups gnomAD compares: Non-Finnish European, 0.00051%; no homozygotes.

Submissions (5):

Labcorp Genetics (formerly Invitae), Labcorp
Classification: Likely benign for Familial adenomatous polyposis 1. Last evaluated: 2026-01-19. Review status: criteria provided, single submitter. Criteria: Invitae Variant Classification Sherloc (09022015). Collection method: clinical testing. Allele origin: germline.

Myriad Genetics, Inc.
Classification: Benign for Familial adenomatous polyposis 1. Last evaluated: 2024-04-02. Review status: criteria provided, single submitter. Criteria: Myriad Autosomal Dominant, Autosomal Recessive and X-Linked Classification Criteria (2023). Collection method: clinical testing. Allele origin: unknown.
Comment: This variant is considered benign. This variant is a silent/synonymous amino acid change and it is not expected to impact splicing.

All of Us Research Program, National Institutes of Health
Classification: Likely benign for Classic or attenuated familial adenomatous polyposis. Last evaluated: 2023-09-04. Review status: criteria provided, single submitter. Criteria: ACMG Guidelines, 2015. Collection method: clinical testing. Allele origin: germline. Inheritance: Autosomal dominant inheritance. Observed: 5 variant alleles, 5 heterozygotes.
Comment: This study involves interpretation of variants in research participants for the purpose of population health screening. Participant phenotype was not available at the time of variant classification. Additional details can be found in publication PMID: 35346344, PMCID: PMC8962531

Color Diagnostics, LLC DBA Color Health
Classification: Likely benign for Hereditary cancer-predisposing syndrome. Last evaluated: 2017-05-12. Review status: criteria provided, single submitter. Criteria: ACMG Guidelines, 2015. Collection method: clinical testing. Allele origin: germline.

Ambry Genetics
Classification: Likely benign for Hereditary cancer-predisposing syndrome. Last evaluated: 2016-10-14. Review status: criteria provided, single submitter. Criteria: Ambry Variant Classification Scheme 2023. Collection method: clinical testing. Allele origin: germline.